The following is an entry in ClinVar:

ClinVar aggregate classification (germline): Uncertain significance. Review status: criteria provided, multiple submitters, no conflicts (2 of 4 stars). 2 submissions from 2 submitters: Uncertain significance (2). Last evaluated 2025-10-25.

Conditions:
Autosomal dominant spastic paraplegia type 9. Identifiers: MedGen C1832669, MONDO:0015091.
de Barsy syndrome. Also called: Cutis laxa-corneal clouding-oligophrenia syndrome. Identifiers: Orphanet 2962, MedGen C0268354, MONDO:0017569.
Cutis laxa, autosomal dominant 3 (ADCL3). Identifiers: Orphanet 90348, MedGen C4225268, MONDO:0014706, OMIM 616603.

Allele frequency attached by ClinVar (database versions not stated): gnomAD exomes below 0.00001.
gnomAD v4.1: 2 of 1,613,982 alleles (0.00012%); highest among the groups gnomAD compares: Non-Finnish European, 0.00017%; no homozygotes.

Submissions (2):

Labcorp Genetics (formerly Invitae), Labcorp
Classification: Uncertain significance for Autosomal dominant spastic paraplegia type 9; de Barsy syndrome; Cutis laxa, autosomal dominant 3. Last evaluated: 2025-10-25. Review status: criteria provided, single submitter. Criteria: Invitae Variant Classification Sherloc (09022015). Collection method: clinical testing. Allele origin: germline.
Comment: This sequence change replaces leucine, which is neutral and non-polar, with valine, which is neutral and non-polar, at codon 395 of the ALDH18A1 protein (p.Leu395Val). This variant is not present in population databases (gnomAD no frequency). This variant has not been reported in the literature in individuals affected with ALDH18A1-related conditions. ClinVar contains an entry for this variant (Variation ID: 1175780). Invitae Evidence Modeling of protein sequence and biophysical properties (such as structural, functional, and spatial information, amino acid conservation, physicochemical variation, residue mobility, and thermodynamic stability) has been performed for this missense variant. However, the output from this modeling did not meet the statistical confidence thresholds required to predict the impact of this variant on ALDH18A1 protein function. In summary, the available evidence is currently insufficient to determine the role of this variant in disease. Therefore, it has been classified as a Variant of Uncertain Significance.

CeGaT Center for Human Genetics Tuebingen
Classification: Uncertain significance. Last evaluated: 2021-03-01. Review status: criteria provided, single submitter. Criteria: CeGaT Center For Human Genetics Tuebingen Variant Classification Criteria Version 2. Collection method: clinical testing. Allele origin: germline. Affected: yes. Observed: 1 variant allele.

NM_002860.4(ALDH18A1):c.1183C>G (p.Leu395Val)

Gene: ALDH18A1 (aldehyde dehydrogenase 18 family member A1; minus strand). Cytogenetic location: 10q24.1.
Variant type: single nucleotide variant.
Coding change: c.1183C>G on transcript NM_002860.4 (MANE Select); coding-DNA position 1183, C replaced by G.
Protein change: p.Leu395Val; replaces leucine 395 with valine.
Molecular consequence: missense variant.
Genome position (GRCh38, 1-based): chr10:95,625,425, G>C on the plus strand (C>G on the coding strand, the complement: ALDH18A1 is on the minus strand). VCF-style: chr10-95625425-G-C. GRCh37 (hg19) VCF-style: chr10-97385182-G-C.
Other names: c.1177C>G, p.Leu393Val (NM_001017423.2, NM_001323415.2); c.850C>G, p.Leu284Val (NM_001323412.2, NM_001323416.2); c.1183C>G, p.Leu395Val (NM_001323413.2, NM_001323414.2); c.1078C>G, p.Leu360Val (NM_001323417.2); c.844C>G, p.Leu282Val (NM_001323418.2); c.547C>G, p.Leu183Val (NM_001323419.2); short protein forms L183V, L282V, L284V, L360V, L393V, L395V.
Identifiers: ClinVar variation 1175780 (VCV001175780.36), dbSNP rs2139584221, ClinGen allele CA377702785.
Genomic context (GRCh38, chr10:95,625,425, plus strand): 5'-CTGCCTCCTCCAAGTCTTTTTTGTTGGCTAACAGGATCTCATCACGCTGGTCCGTCAACA[G>C]ATCAGCCAGATGATGGATAATTTCTGCTCTCTAGAAGAAAGGTACACCATTAAAAAAACA-3'
Protein context (NP_002851.2, residues 385-405): RAEIIHHLAD[Leu395Val]LTDQRDEILL